The following is an entry in ClinVar:

NM_024876.4(COQ8B):c.784G>A (p.Ala262Thr)

Gene: COQ8B (coenzyme Q8B; minus strand). Cytogenetic location: 19q13.2.
Variant type: single nucleotide variant.
Coding change: c.784G>A on transcript NM_024876.4 (MANE Select); coding-DNA position 784, G replaced by A.
Protein change: p.Ala262Thr; replaces alanine 262 with threonine.
Molecular consequence: missense variant.
Genome position (GRCh38, 1-based): chr19:40,703,556, C>T on the plus strand (G>A on the coding strand, the complement: COQ8B is on the minus strand). VCF-style: chr19-40703556-C-T. GRCh37 (hg19) VCF-style: chr19-41209461-C-T.
Other names: p.Ala262Thr; c.661G>A, p.Ala221Thr (NM_001142555.3); short protein forms A221T, A262T.
Identifiers: ClinVar variation 2045487 (VCV002045487.4), dbSNP rs539144662, ClinGen allele CA9450285.
Genomic context (GRCh38, chr19:40,703,556, plus strand): 5'-ATAGCCCCTTTGGGAGGTCAGCAGAGGAGTGGGTGGGCGCCTCACCCGCGGGCAGGGCCG[C>T]GCTCATCTTGAGTACCGCCAGCAGGTTCTGGACATCGCTCTGAATGCTCTGGGCTATGCC-3'
Protein context (NP_079152.3, residues 252-272): QNLLAVLKMS[Ala262Thr]ALPAGLFAEQ

ClinVar aggregate classification (germline): Uncertain significance. Review status: criteria provided, multiple submitters, no conflicts (2 of 4 stars). 2 submissions from 2 submitters: Uncertain significance (2). Last evaluated 2025-06-01.

Allele frequency attached by ClinVar (database versions not stated): gnomAD 0.00010; gnomAD exomes 0.00003; TOPMed 0.00011; ExAC 0.00006; 1000 Genomes Project 0.00020; 1000 Genomes Project 30x 0.00031.
gnomAD v4.1: 56 of 1,607,360 alleles (0.0035%); highest among the groups gnomAD compares: South Asian, 0.0055%; no homozygotes.

Submissions (2):

Mayo Clinic Laboratories, Mayo Clinic
Classification: Uncertain significance. Last evaluated: 2025-06-01. Review status: criteria provided, single submitter. Criteria: ACMG Guidelines, 2015. Collection method: clinical testing. Allele origin: germline. Observed: 1 variant allele.
Comment: BP4_moderate, PM2_supporting

Labcorp Genetics (formerly Invitae), Labcorp
Classification: Uncertain significance. Last evaluated: 2024-01-19. Review status: criteria provided, single submitter. Criteria: Invitae Variant Classification Sherloc (09022015). Collection method: clinical testing. Allele origin: germline.
Comment: This sequence change replaces alanine, which is neutral and non-polar, with threonine, which is neutral and polar, at codon 262 of the COQ8B protein (p.Ala262Thr). This variant is present in population databases (rs539144662, gnomAD 0.01%). This variant has not been reported in the literature in individuals affected with COQ8B-related conditions. ClinVar contains an entry for this variant (Variation ID: 2045487). Advanced modeling of protein sequence and biophysical properties (such as structural, functional, and spatial information, amino acid conservation, physicochemical variation, residue mobility, and thermodynamic stability) performed at Invitae indicates that this missense variant is not expected to disrupt COQ8B protein function with a negative predictive value of 80%. In summary, the available evidence is currently insufficient to determine the role of this variant in disease. Therefore, it has been classified as a Variant of Uncertain Significance.